The following is an entry in ClinVar:

NM_198859.4(PRICKLE2):c.1551G>A (p.Gln517=)

Gene: PRICKLE2 (prickle planar cell polarity protein 2; minus strand). Cytogenetic location: 3p14.1.
Variant type: single nucleotide variant.
Coding change: c.1551G>A on transcript NM_198859.4 (MANE Select); coding-DNA position 1551, G replaced by A.
Protein change: p.Gln517=; no amino-acid change (glutamine 517 retained).
Molecular consequence: synonymous variant.
Genome position (GRCh38, 1-based): chr3:64,146,939, C>T on the plus strand (G>A on the coding strand, the complement: PRICKLE2 is on the minus strand). VCF-style: chr3-64146939-C-T. GRCh37 (hg19) VCF-style: chr3-64132615-C-T.
Other names: c.1551G>A, p.Gln517= (NM_001370528.1).
Identifiers: ClinVar variation 130032 (VCV000130032.23), dbSNP rs116353694, ClinGen allele CA154772.

ClinVar aggregate classification (germline): Benign. Review status: criteria provided, multiple submitters, no conflicts (2 of 4 stars). 6 submissions from 6 submitters: Benign (4). 2 of the submissions do not count toward it. Last evaluated 2026-01-31.

Conditions:
PRICKLE2-related disorder. Also called: PRICKLE2-related condition.
Progressive myoclonic epilepsy. Also called: Familial progressive myoclonic epilepsy; Myoclonic Epilepsies, Progressive; Myoclonus epilepsy; Progressive myoclonus epilepsy. Identifiers: Orphanet 308, Orphanet 98261, MedGen C0751778, MONDO:0020074.
Progressive myoclonic epilepsy type 5. Identifiers: Orphanet 402082, MedGen C5190799.

Allele frequency attached by ClinVar (database versions not stated): gnomAD exomes 0.00149 and 0.00394; ExAC 0.00482; gnomAD 0.01580 and 0.01695; 1000 Genomes Project 0.01717; 1000 Genomes Project 30x 0.01718; TOPMed 0.01750; ESP Exome Variant Server 0.01915.
gnomAD v4.1: 4,636 of 1,614,114 alleles (0.29%); highest among the groups gnomAD compares: African/African-American, 5.6%; 119 homozygotes.

Submissions (6):

Labcorp Genetics (formerly Invitae), Labcorp
Classification: Benign for Progressive myoclonic epilepsy type 5. Last evaluated: 2026-01-31. Review status: criteria provided, single submitter. Criteria: Invitae Variant Classification Sherloc (09022015). Collection method: clinical testing. Allele origin: germline.

Athena Diagnostics
Classification: Benign. Last evaluated: 2024-12-30. Review status: criteria provided, single submitter. Criteria: Athena Diagnostics Criteria. Collection method: clinical testing. Allele origin: unknown.
Comment: The frequency of this variant in the general population is higher than would generally be expected for pathogenic variants in this gene. Computational tools yielded predictions that this variant is unlikely to have an effect on normal RNA splicing. This nucleotide position exhibits low evolutionary conservation.

Illumina Laboratory Services, Illumina
Classification: Benign for Progressive myoclonic epilepsy. Last evaluated: 2018-01-12. Review status: criteria provided, single submitter. Criteria: ICSL Variant Classification Criteria 13 December 2019. Collection method: clinical testing. Allele origin: germline.
Comment: This variant was observed in the ICSL laboratory as part of a predisposition screen in an ostensibly healthy population. It had not been previously curated by ICSL or reported in the Human Gene Mutation Database (HGMD: prior to June 1st, 2018), and was therefore a candidate for classification through an automated scoring system. Utilizing variant allele frequency, disease prevalence and penetrance estimates, and inheritance mode, an automated score was calculated to assess if this variant is too frequent to cause the disease. Based on the score and internal cut-off values, a variant classified as benign is not then subjected to further curation. The score for this variant resulted in a classification of benign for this disease.

Breakthrough Genomics
Classification: Benign. Review status: criteria provided, single submitter. Criteria: ACMG Guidelines, 2015. Collection method: not provided. Allele origin: germline. Inheritance: Unknown mechanism. Affected: yes.

PreventionGenetics, part of Exact Sciences
Classification: Benign for PRICKLE2-related condition. Last evaluated: 2019-04-10. Review status: no assertion criteria provided. Collection method: clinical testing. Allele origin: germline. Not counted in ClinVar's aggregate classification.
Comment: This variant is classified as benign based on ACMG/AMP sequence variant interpretation guidelines (Richards et al. 2015 PMID: 25741868, with internal and published modifications).

Genetic Services Laboratory, University of Chicago
Classification: Likely benign for AllHighlyPenetrant. Review status: no assertion criteria provided. Collection method: clinical testing. Allele origin: germline. Inheritance: Autosomal dominant inheritance. Not counted in ClinVar's aggregate classification.
Comment: Likely benign based on allele frequency in 1000 Genomes Project or ESP global frequency and its presence in a patient with a rare or unrelated disease phenotype. NOT Sanger confirmed.